The following is an entry in ClinVar:

ClinVar aggregate classification (germline): Uncertain significance (1 of 4 stars; one submission).

gnomAD v4.1: 3 of 1,209,956 alleles (0.00025%); highest among the groups gnomAD compares: Non-Finnish European, 0.00022%; no homozygotes.

Submission:

Labcorp Genetics (formerly Invitae), Labcorp
Classification: Uncertain significance. Last evaluated: 2025-07-08. Review status: criteria provided, single submitter. Criteria: Invitae Variant Classification Sherloc (09022015). Collection method: clinical testing. Allele origin: germline.
Comment: This sequence change replaces glycine, which is neutral and non-polar, with arginine, which is basic and polar, at codon 489 of the DRP2 protein (p.Gly489Arg). This variant is not present in population databases (gnomAD no frequency). This variant has not been reported in the literature in individuals affected with DRP2-related conditions. ClinVar contains an entry for this variant (Variation ID: 3680667). Invitae Evidence Modeling of protein sequence and biophysical properties (such as structural, functional, and spatial information, amino acid conservation, physicochemical variation, residue mobility, and thermodynamic stability) has been performed for this missense variant. However, the output from this modeling did not meet the statistical confidence thresholds required to predict the impact of this variant on DRP2 protein function. In summary, the available evidence is currently insufficient to determine the role of this variant in disease. Therefore, it has been classified as a Variant of Uncertain Significance.

NM_001939.3(DRP2):c.1465G>A (p.Gly489Arg)

Gene: DRP2 (dystrophin related protein 2; plus strand). Cytogenetic location: Xq22.1.
Variant type: single nucleotide variant.
Coding change: c.1465G>A on transcript NM_001939.3 (MANE Select); coding-DNA position 1465, G replaced by A.
Protein change: p.Gly489Arg; replaces glycine 489 with arginine.
Molecular consequence: missense variant.
Genome position (GRCh38, 1-based): chrX:101,248,524, G>A. VCF-style: chrX-101248524-G-A. GRCh37 (hg19) VCF-style: chrX-100503513-G-A.
Other names: c.1231G>A, p.Gly411Arg (NM_001171184.2); short protein forms G489R, G411R.
Identifiers: ClinVar variation 3680667 (VCV003680667.2).